The following is an entry in ClinVar:

ClinVar aggregate classification (germline): Uncertain significance (1 of 4 stars; one submission).

Conditions:
Pure or complex autosomal recessive spastic paraplegia. Identifiers: Orphanet 320346, MedGen C5679887, MONDO:0017915.

Allele frequency attached by ClinVar (database versions not stated): gnomAD exomes below 0.00001; TOPMed below 0.00001.
gnomAD v4.1: 2 of 1,607,726 alleles (0.00012%); highest among the groups gnomAD compares: Admixed American, 0.0017%; no homozygotes.

Submission:

Labcorp Genetics (formerly Invitae), Labcorp
Classification: Uncertain significance for Pure or complex autosomal recessive spastic paraplegia. Last evaluated: 2023-07-26. Review status: criteria provided, single submitter. Criteria: Invitae Variant Classification Sherloc (09022015). Collection method: clinical testing. Allele origin: germline.
Comment: In summary, the available evidence is currently insufficient to determine the role of this variant in disease. Therefore, it has been classified as a Variant of Uncertain Significance. Experimental studies and prediction algorithms are not available or were not evaluated, and the functional significance of this variant is currently unknown. ClinVar contains an entry for this variant (Variation ID: 2195421). This variant has not been reported in the literature in individuals affected with ZFR-related conditions. This variant is present in population databases (no rsID available, gnomAD 0.003%). This sequence change replaces valine, which is neutral and non-polar, with isoleucine, which is neutral and non-polar, at codon 572 of the ZFR protein (p.Val572Ile).

NM_016107.5(ZFR):c.1714G>A (p.Val572Ile)

Gene: ZFR (zinc finger RNA binding protein; minus strand). Cytogenetic location: 5p13.3.
Variant type: single nucleotide variant.
Coding change: c.1714G>A on transcript NM_016107.5 (MANE Select); coding-DNA position 1714, G replaced by A.
Protein change: p.Val572Ile; replaces valine 572 with isoleucine.
Molecular consequence: missense variant. On other transcripts: non-coding transcript variant (1).
Genome position (GRCh38, 1-based): chr5:32,397,338, C>T on the plus strand (G>A on the coding strand, the complement: ZFR is on the minus strand). VCF-style: chr5-32397338-C-T. GRCh37 (hg19) VCF-style: chr5-32397444-C-T.
Other names: short protein forms V572I.
Identifiers: ClinVar variation 2195421 (VCV002195421.4), dbSNP rs887502207, ClinGen allele CA116789645.